The following is an entry in ClinVar:

ClinVar aggregate classification (germline): Uncertain significance. Review status: criteria provided, multiple submitters, no conflicts (2 of 4 stars). 2 submissions from 2 submitters: Uncertain significance (2). Last evaluated 2025-07-30.

Conditions:
Inborn genetic diseases. Identifiers: MedGen C0950123, MeSH D030342.

Allele frequency attached by ClinVar (database versions not stated): gnomAD 0.00001; gnomAD exomes 0.00001; TOPMed 0.00001.
gnomAD v4.1: 13 of 1,613,896 alleles (0.00081%); highest among the groups gnomAD compares: South Asian, 0.0033%; no homozygotes.

Submissions (2):

Labcorp Genetics (formerly Invitae), Labcorp
Classification: Uncertain significance. Last evaluated: 2025-07-30. Review status: criteria provided, single submitter. Criteria: Invitae Variant Classification Sherloc (09022015). Collection method: clinical testing. Allele origin: germline.
Comment: This sequence change replaces proline, which is neutral and non-polar, with serine, which is neutral and polar, at codon 189 of the DDX41 protein (p.Pro189Ser). This variant is present in population databases (no rsID available, gnomAD 0.006%). This variant has not been reported in the literature in individuals affected with DDX41-related conditions. ClinVar contains an entry for this variant (Variation ID: 1928110). An algorithm developed to predict the effect of missense changes on protein structure and function (PolyPhen-2) suggests that this variant is likely to be disruptive. In summary, the available evidence is currently insufficient to determine the role of this variant in disease. Therefore, it has been classified as a Variant of Uncertain Significance.

Ambry Genetics
Classification: Uncertain significance for Inborn genetic diseases. Last evaluated: 2025-05-01. Review status: criteria provided, single submitter. Criteria: Ambry Variant Classification Scheme 2023. Collection method: clinical testing. Allele origin: germline.
Comment: The p.P189S variant (also known as c.565C>T), located in coding exon 6 of the DDX41 gene, results from a C to T substitution at nucleotide position 565. The proline at codon 189 is replaced by serine, an amino acid with similar properties. This amino acid position is highly conserved in available vertebrate species. In addition, the in silico prediction for this alteration is inconclusive. Based on the available evidence, the clinical significance of this variant remains unclear.

NM_016222.4(DDX41):c.565C>T (p.Pro189Ser)

Gene: DDX41 (DEAD-box helicase 41; minus strand). Cytogenetic location: 5q35.3.
Variant type: single nucleotide variant.
Coding change: c.565C>T on transcript NM_016222.4 (MANE Select); coding-DNA position 565, C replaced by T.
Protein change: p.Pro189Ser; replaces proline 189 with serine.
Molecular consequence: missense variant.
Genome position (GRCh38, 1-based): chr5:177,515,691, G>A on the plus strand (C>T on the coding strand, the complement: DDX41 is on the minus strand). VCF-style: chr5-177515691-G-A. GRCh37 (hg19) VCF-style: chr5-176942692-G-A.
Other names: c.187C>T, p.Pro63Ser (NM_001321732.2, NM_001321830.2); c.565C>T (NM_016222.2); short protein forms P63S, P189S.
Identifiers: ClinVar variation 1928110 (VCV001928110.6), dbSNP rs1450576850, ClinGen allele CA362375959.
Genomic context (GRCh38, chr5:177,515,691, plus strand): 5'-CCTCACAGGCATTTGATTATAAAAGTGTGGTATCTCTCTCCAGCCCCTGACTACCTGCAG[G>A]AAACTTCATTTCCTTGAAGCTCTTGATGGGTGGTGGGATACCGTCTCCCTCCACCAGGAT-3'
Protein context (NP_057306.2, residues 179-199): PIKSFKEMKF[Pro189Ser]AAILRGLKKK